The following is an entry in ClinVar:

NM_153252.5(BRWD3):c.4907T>G (p.Val1636Gly)

Gene: BRWD3 (bromodomain and WD repeat domain containing 3; minus strand). Cytogenetic location: Xq21.1.
Variant type: single nucleotide variant.
Coding change: c.4907T>G on transcript NM_153252.5 (MANE Select); coding-DNA position 4907, T replaced by G.
Protein change: p.Val1636Gly; replaces valine 1636 with glycine.
Molecular consequence: missense variant.
Genome position (GRCh38, 1-based): chrX:80,677,111, A>C on the plus strand (T>G on the coding strand, the complement: BRWD3 is on the minus strand). VCF-style: chrX-80677111-A-C. GRCh37 (hg19) VCF-style: chrX-79932610-A-C.
Other names: short protein forms V1636G.
Identifiers: ClinVar variation 2993601 (VCV002993601.3), dbSNP rs762470311, ClinGen allele CA10461586.

ClinVar aggregate classification (germline): Uncertain significance (1 of 4 stars; one submission).

Allele frequency attached by ClinVar (database versions not stated): ExAC 0.00001; gnomAD exomes 0.00001; gnomAD 0.00003; TOPMed 0.00005.
gnomAD v4.1: 7 of 1,209,806 alleles (0.00058%); highest among the groups gnomAD compares: African/African-American, 0.012%; no homozygotes.

Submission:

Labcorp Genetics (formerly Invitae), Labcorp
Classification: Uncertain significance. Last evaluated: 2023-08-17. Review status: criteria provided, single submitter. Criteria: Invitae Variant Classification Sherloc (09022015). Collection method: clinical testing. Allele origin: germline.
Comment: In summary, the available evidence is currently insufficient to determine the role of this variant in disease. Therefore, it has been classified as a Variant of Uncertain Significance. An algorithm developed to predict the effect of missense changes on protein structure and function (PolyPhen-2) suggests that this variant is likely to be tolerated. This variant has not been reported in the literature in individuals affected with BRWD3-related conditions. This variant is present in population databases (rs762470311, gnomAD 0.03%), including at least one homozygous and/or hemizygous individual. This sequence change replaces valine, which is neutral and non-polar, with glycine, which is neutral and non-polar, at codon 1636 of the BRWD3 protein (p.Val1636Gly).